The following is an entry in ClinVar:

ClinVar aggregate classification (germline): Uncertain significance. Review status: criteria provided, multiple submitters, no conflicts (2 of 4 stars). 2 submissions from 2 submitters: Uncertain significance (2). Last evaluated 2026-08-06.

Conditions:
Beck-Fahrner syndrome (BEFAHRS). Identifiers: Orphanet 684216, MedGen C5394097, MONDO:0032922, OMIM 618798.

Submissions (2):

GeneDx
Classification: Uncertain significance. Last evaluated: 2026-08-06. Review status: criteria provided, single submitter. Criteria: GeneDx Variant Classification Process June 2021. Collection method: clinical testing. Allele origin: germline.
Comment: Not observed at significant frequency in large population cohorts (gnomAD); In silico analysis supports that this missense variant has a deleterious effect on protein structure/function; Has not been previously published as pathogenic or benign to our knowledge

Pittsburgh Clinical Genomics Laboratory, University of Pittsburgh Medical Center
Classification: Uncertain significance for Beck-Fahrner syndrome. Last evaluated: 2024-05-06. Review status: criteria provided, single submitter. Criteria: ACMG Guidelines, 2015. Collection method: clinical testing. Allele origin: germline. Inheritance: Autosomal unknown. Affected: yes.
Comment: This sequence variant is a single nucleotide substitution (G>A) at position 3167 of the coding sequence of the TET3 gene that results in a glycine to glutamic acid amino acid change at residue 1056 of the tet methylcytosine dioxygenase 3 protein. This variant is absent from ClinVar and has not been observed in individuals affected by a TET3-related disorder in the published literature, to our knowledge. This variant is absent from the gnomAD v4.1.0 population database (0/~1460000 alleles). Bioinformatic tools are inconclusive if this amino acid change will be damaging or tolerated, and the Gly1056 residue at this position is highly conserved across the vertebrate species examined. Studies examining the functional consequence of this variant have not been published, to our knowledge. At this time, there is insufficient evidence to determine if this variant is pathogenic or benign. Therefore, we consider this a variant of uncertain significance. ACMG Criteria: PM2

NM_001287491.2(TET3):c.3167G>A (p.Gly1056Glu)

Gene: TET3 (tet methylcytosine dioxygenase 3; plus strand). Cytogenetic location: 2p13.1.
Variant type: single nucleotide variant.
Coding change: c.3167G>A on transcript NM_001287491.2 (MANE Select); coding-DNA position 3167, G replaced by A.
Protein change: p.Gly1056Glu; replaces glycine 1056 with glutamic acid.
Molecular consequence: missense variant.
Genome position (GRCh38, 1-based): chr2:74,093,566, G>A. VCF-style: chr2-74093566-G-A. GRCh37 (hg19) VCF-style: chr2-74320693-G-A.
Other names: c.2888G>A, p.Gly963Glu (NM_001366022.1); short protein forms G1056E, G963E.
Identifiers: ClinVar variation 3375852 (VCV003375852.2).